The following is an entry in ClinVar:

ClinVar aggregate classification (germline): Benign/Likely benign. Review status: criteria provided, multiple submitters, no conflicts (2 of 4 stars). 3 submissions from 2 submitters: Benign (1); Likely benign (2). Last evaluated 2018-01-13.

Conditions:
Chilblain lupus 2 (CHBL2). Identifiers: MedGen C3280721, MONDO:0013739, OMIM 614415.
Aicardi-Goutieres syndrome 5. Identifiers: Orphanet 51, MedGen C2749659, MONDO:0013059, OMIM 612952.

Allele frequency attached by ClinVar (database versions not stated): TOPMed 0.00214; 1000 Genomes Project 0.00359; gnomAD 0.00197; 1000 Genomes Project 30x 0.00312.

Submissions (3):

Illumina Laboratory Services, Illumina
Classification: Likely benign for Aicardi-Goutieres syndrome 5. Last evaluated: 2018-01-13. Review status: criteria provided, single submitter. Criteria: ICSL Variant Classification Criteria 13 December 2019. Collection method: clinical testing. Allele origin: germline.
Comment: This variant was observed in the ICSL laboratory as part of a predisposition screen in an ostensibly healthy population. It had not been previously curated by ICSL or reported in the Human Gene Mutation Database (HGMD: prior to June 1st, 2018), and was therefore a candidate for classification through an automated scoring system. Utilizing variant allele frequency, disease prevalence and penetrance estimates, and inheritance mode, an automated score was calculated to assess if this variant is too frequent to cause the disease. Based on the score and internal cut-off values, a variant classified as likely benign is not then subjected to further curation. The score for this variant resulted in a classification of likely benign for this disease.

Illumina Laboratory Services, Illumina
Classification: Benign for Chilblain lupus 2. Last evaluated: 2018-01-13. Review status: criteria provided, single submitter. Criteria: ICSL Variant Classification Criteria 13 December 2019. Collection method: clinical testing. Allele origin: germline.
Comment: This variant was observed in the ICSL laboratory as part of a predisposition screen in an ostensibly healthy population. It had not been previously curated by ICSL or reported in the Human Gene Mutation Database (HGMD: prior to June 1st, 2018), and was therefore a candidate for classification through an automated scoring system. Utilizing variant allele frequency, disease prevalence and penetrance estimates, and inheritance mode, an automated score was calculated to assess if this variant is too frequent to cause the disease. Based on the score and internal cut-off values, a variant classified as benign is not then subjected to further curation. The score for this variant resulted in a classification of benign for this disease.

Breakthrough Genomics
Classification: Likely benign. Review status: criteria provided, single submitter. Criteria: ACMG Guidelines, 2015. Collection method: not provided. Allele origin: germline. Inheritance: Autosomal recessive inheritance. Affected: yes.

NM_015474.3(SAMHD1):c.-166G>T

Gene: SAMHD1 (SAM and HD domain containing deoxynucleoside triphosphate triphosphohydrolase 1; minus strand). Cytogenetic location: 20q11.23.
Variant type: single nucleotide variant.
Coding change: c.-166G>T on transcript NM_015474.3; 166 bases upstream of the start codon, G replaced by T.
Genome position (GRCh38, 1-based): chr20:36,951,809, C>A on the plus strand (G>T on the coding strand, the complement: SAMHD1 is on the minus strand). VCF-style: chr20-36951809-C-A. GRCh37 (hg19) VCF-style: chr20-35580212-C-A.
Identifiers: ClinVar variation 338356 (VCV000338356.8), dbSNP rs546207604, ClinGen allele CA10653105.
Genomic context (GRCh38, chr20:36,951,809, plus strand): 5'-GCCTATTGGCCTCCTGCGCAGGCTCACTGACAGTTGAGCCCTTCGGGCAGGGCAGCCTAG[C>A]GGCTCTTGCCTTGGGCTCCCTGCGCAGGCGCAATGGCAGTCCAGTCGTCCTCAAATCAAT-3'